The following is an entry in ClinVar:

NM_000174.5(GP9):c.112T>C (p.Cys38Arg)

Gene: GP9 (glycoprotein IX platelet; plus strand). Cytogenetic location: 3q21.3.
Variant type: single nucleotide variant.
Coding change: c.112T>C on transcript NM_000174.5 (MANE Select); coding-DNA position 112, T replaced by C.
Protein change: p.Cys38Arg; replaces cysteine 38 with arginine.
Molecular consequence: missense variant.
Genome position (GRCh38, 1-based): chr3:129,061,851, T>C. VCF-style: chr3-129061851-T-C. GRCh37 (hg19) VCF-style: chr3-128780694-T-C.
Other names: NM_000174.5:c.112T>C; short protein forms C38R.
Identifiers: ClinVar variation 4539010 (VCV004539010.1).

ClinVar aggregate classification (germline): Likely pathogenic (3 of 4 stars; one submission).

Conditions:
Bernard Soulier syndrome (BSS). Also called: GLYCOPROTEIN Ib, PLATELET, DEFICIENCY OF; PLATELET GLYCOPROTEIN Ib DEFICIENCY; VON WILLEBRAND FACTOR RECEPTOR DEFICIENCY; Giant platelet syndrome; Hemorrhagiparous thrombocytic dystrophy; Giant platelet disease. Identifiers: Orphanet 274, MedGen C0005129, MeSH D001606, MONDO:0009276, OMIM 231200.

gnomAD v4.1: 9 of 1,612,342 alleles (0.00056%); highest among the groups gnomAD compares: Non-Finnish European, 0.00017%; no homozygotes.

Submission:

ClinGen Platelet Disorders Variant Curation Expert Panel, ClinGen
Classification: Likely pathogenic for Bernard Soulier syndrome. Last evaluated: 2025-12-17. Review status: reviewed by expert panel. Criteria: ClinGen Platelet ACMG Specifications GP9 V1.0.0. Collection method: curation. Allele origin: germline. Inheritance: Autosomal recessive inheritance.
Comment: The c.112T>C variant in GP9 is a missense variant predicted to cause substitution of Cysteine by Arginine at amino acid 38 (p.Cys38Arg). At least one patient (Patient 3 in PMID: 33553065) with this variant had less than 10% expression of GP9 measured by flow cytometry, which is highly specific for Bernard-Soulier syndrome. Additionally, the patient had macrothrombocytopenia which is consistent with Bernard-Soulier syndrome (PP4). This individual, was compound heterozygous for this variant and the c.182A>G (p.Asn61Ser) variant which was classified as Pathogenic by the PD VCEP. The computational predictor REVEL gives a score of 0.866, which is above the ClinGen PD VCEP threshold of >0.773 and predicts a damaging effect on function (PP3_Moderate). The largest MAF allele frequency in gnomAD v4.1.0 is 0.000001696 (based on 2/1179516 alleles) in the European (non-Finnish) population, which is lower than the ClinGen PD VCEP threshold (<0.0000329; PM2_Supporting). In summary, this variant meets the criteria to be classified as Likely Pathogenic for autosomal recessive Bernard-Soulier syndrome based on the ACMG/AMP criteria applied, as specified by the ClinGen PD VCEP: PP4, PM3, PP3 and PM3_Supporting (VCEP specifications version 1.1).